The following is an entry in ClinVar:

ClinVar aggregate classification (germline): Benign (1 of 4 stars; one submission).

Conditions:
Retinitis pigmentosa (RP). Identifiers: Orphanet 791, MedGen C0035334, MeSH D012174, MONDO:0019200, OMIM 268000. Inheritance: Autosomal dominant, autosomal recessive and X linked inheritance.

Allele frequency attached by ClinVar (database versions not stated): TOPMed 0.01639; 1000 Genomes Project 0.01737; 1000 Genomes Project 30x 0.01889; gnomAD exomes 0.00228; gnomAD 0.01456 and 0.01574.
gnomAD v4.1: 2,337 of 218,876 alleles (1.1%); highest among the groups gnomAD compares: African/African-American, 5%; 58 homozygotes.

Submission:

Illumina Laboratory Services, Illumina
Classification: Benign for Retinitis pigmentosa. Last evaluated: 2018-01-13. Review status: criteria provided, single submitter. Criteria: ICSL Variant Classification Criteria 13 December 2019. Collection method: clinical testing. Allele origin: germline.
Comment: This variant was observed in the ICSL laboratory as part of a predisposition screen in an ostensibly healthy population. It had not been previously curated by ICSL or reported in the Human Gene Mutation Database (HGMD: prior to June 1st, 2018), and was therefore a candidate for classification through an automated scoring system. Utilizing variant allele frequency, disease prevalence and penetrance estimates, and inheritance mode, an automated score was calculated to assess if this variant is too frequent to cause the disease. Based on the score and internal cut-off values, a variant classified as benign is not then subjected to further curation. The score for this variant resulted in a classification of benign for this disease.

NM_002098.6(GUCA1B):c.*477C>T

Gene: GUCA1B (guanylate cyclase activator 1B; minus strand). Cytogenetic location: 6p21.1.
Variant type: single nucleotide variant.
Coding change: c.*477C>T on transcript NM_002098.6 (MANE Select); 477 bases downstream of the stop codon, C replaced by T.
Molecular consequence: 3 prime UTR variant.
Genome position (GRCh38, 1-based): chr6:42,184,338, G>A on the plus strand (C>T on the coding strand, the complement: GUCA1B is on the minus strand). VCF-style: chr6-42184338-G-A. GRCh37 (hg19) VCF-style: chr6-42152076-G-A.
Identifiers: ClinVar variation 356721 (VCV000356721.6), dbSNP rs143063040, ClinGen allele CA10623889.